The following is an entry in ClinVar:

NM_001321967.2(ATAD1):c.716G>A (p.Arg239His)

Gene: ATAD1 (ATPase family AAA domain containing 1; minus strand). Cytogenetic location: 10q23.31.
Variant type: single nucleotide variant.
Coding change: c.716G>A on transcript NM_001321967.2 (MANE Select); coding-DNA position 716, G replaced by A.
Protein change: p.Arg239His; replaces arginine 239 with histidine.
Molecular consequence: missense variant. On other transcripts: non-coding transcript variant (1), intron variant (1).
Genome position (GRCh38, 1-based): chr10:87,771,016, C>T on the plus strand (G>A on the coding strand, the complement: ATAD1 is on the minus strand). VCF-style: chr10-87771016-C-T. GRCh37 (hg19) VCF-style: chr10-89530773-C-T.
Other names: c.359G>A, p.Arg120His (NM_001321969.2); c.716G>A, p.Arg239His (NM_032810.4); c.691-3293G>A (NM_001321968.2); short protein forms R120H, R239H.
Identifiers: ClinVar variation 1359010 (VCV001359010.3), dbSNP rs780964486, ClinGen allele CA5590012.

ClinVar aggregate classification (germline): Uncertain significance (1 of 4 stars; one submission).

Allele frequency attached by ClinVar (database versions not stated): TOPMed below 0.00001; ExAC 0.00001; gnomAD 0.00001; gnomAD exomes 0.00001 and 0.00002.
gnomAD v4.1: 17 of 1,613,042 alleles (0.0011%); highest among the groups gnomAD compares: African/African-American, 0.0027%; no homozygotes.

Submission:

Labcorp Genetics (formerly Invitae), Labcorp
Classification: Uncertain significance. Last evaluated: 2021-11-02. Review status: criteria provided, single submitter. Criteria: Invitae Variant Classification Sherloc (09022015). Collection method: clinical testing. Allele origin: germline.
Comment: This sequence change replaces arginine, which is basic and polar, with histidine, which is basic and polar, at codon 239 of the ATAD1 protein (p.Arg239His). This variant is present in population databases (rs780964486, gnomAD 0.007%). This variant has not been reported in the literature in individuals affected with ATAD1-related conditions. Algorithms developed to predict the effect of missense changes on protein structure and function are either unavailable or do not agree on the potential impact of this missense change (SIFT: "Not Available"; PolyPhen-2: "Possibly Damaging"; Align-GVGD: "Not Available"). In summary, the available evidence is currently insufficient to determine the role of this variant in disease. Therefore, it has been classified as a Variant of Uncertain Significance.